The following is an entry in ClinVar:

ClinVar aggregate classification (germline): Uncertain significance (1 of 4 stars; one submission).

Submission:

GeneDx
Classification: Uncertain significance. Last evaluated: 2024-02-29. Review status: criteria provided, single submitter. Criteria: GeneDx Variant Classification Process June 2021. Collection method: clinical testing. Allele origin: germline. Affected: yes.
Comment: Not observed at significant frequency in large population cohorts (gnomAD); In silico analysis supports that this missense variant has a deleterious effect on protein structure/function; Has not been previously published as pathogenic or benign to our knowledge

NM_002911.4(UPF1):c.2773C>A (p.Pro925Thr)

Gene: UPF1 (UPF1 RNA helicase and ATPase; plus strand). Cytogenetic location: 19p13.11.
Variant type: single nucleotide variant.
Coding change: c.2773C>A on transcript NM_002911.4 (MANE Select); coding-DNA position 2773, C replaced by A.
Protein change: p.Pro925Thr; replaces proline 925 with threonine.
Molecular consequence: missense variant.
Genome position (GRCh38, 1-based): chr19:18,863,610, C>A. VCF-style: chr19-18863610-C-A. GRCh37 (hg19) VCF-style: chr19-18974419-C-A.
Other names: c.2806C>A, p.Pro936Thr (NM_001297549.2); short protein forms P925T, P936T.
Identifiers: ClinVar variation 3369490 (VCV003369490.1).